The following is an entry in ClinVar:

NM_000127.3(EXT1):c.1316C>G (p.Ser439Ter)

Gene: EXT1 (exostosin glycosyltransferase 1; minus strand). Cytogenetic location: 8q24.11.
Variant type: single nucleotide variant.
Coding change: c.1316C>G on transcript NM_000127.3 (MANE Select); coding-DNA position 1316, C replaced by G.
Protein change: p.Ser439Ter; replaces serine 439 with a stop codon.
Molecular consequence: nonsense.
Genome position (GRCh38, 1-based): chr8:117,822,566, G>C on the plus strand (C>G on the coding strand, the complement: EXT1 is on the minus strand). VCF-style: chr8-117822566-G-C. GRCh37 (hg19) VCF-style: chr8-118834805-G-C.
Other names: short protein forms S439*.
Identifiers: ClinVar variation 568116 (VCV000568116.8), dbSNP rs1563571318, ClinGen allele CA371888043.

ClinVar aggregate classification (germline): Pathogenic. Review status: criteria provided, multiple submitters, no conflicts (2 of 4 stars). 2 submissions from 2 submitters: Pathogenic (2). Last evaluated 2023-12-20.

Conditions:
Multiple congenital exostosis (EXT). Also called: Multiple osteochondromas; Hereditary multiple osteochondromas; MULTIPLE CARTILAGINOUS EXOSTOSES; Multiple exostoses; Hereditary multiple exostoses; Hereditary multiple exostosis. Identifiers: Orphanet 321, MedGen C0015306, MONDO:0005508, HP:0002762.
EXT1-related disorders.

Submissions (2):

Blueprint Genetics
Classification: Pathogenic for EXT1-related disorders. Last evaluated: 2023-12-20. Review status: criteria provided, single submitter. Criteria: ACMG Guidelines, 2015. Collection method: clinical testing. Allele origin: germline. Affected: yes. Observed: 1 variant allele.

Labcorp Genetics (formerly Invitae), Labcorp
Classification: Pathogenic for Multiple congenital exostosis. Last evaluated: 2018-02-21. Review status: criteria provided, single submitter. Criteria: Invitae Variant Classification Sherloc (09022015). Collection method: clinical testing. Allele origin: germline.
Comment: For these reasons, this variant has been classified as Pathogenic. Loss-of-function variants in EXT1 are known to be pathogenic (PMID: 10679937, 11391482, 19810120). This variant has not been reported in the literature in individuals with EXT1-related disease. This variant is not present in population databases (ExAC no frequency). This sequence change creates a premature translational stop signal (p.Ser439*) in the EXT1 gene. It is expected to result in an absent or disrupted protein product.

Literature cited by the submitters: PubMed 10679937 (cited by Labcorp Genetics (formerly Invitae), Labcorp); PubMed 11391482 (cited by Labcorp Genetics (formerly Invitae), Labcorp); PubMed 19810120 (cited by Labcorp Genetics (formerly Invitae), Labcorp).